The following is an entry in ClinVar:

NM_000252.3(MTM1):c.721C>T (p.Arg241Cys)

Gene: MTM1 (myotubularin 1; plus strand). Cytogenetic location: Xq28.
Variant type: single nucleotide variant.
Coding change: c.721C>T on transcript NM_000252.3 (MANE Select); coding-DNA position 721, C replaced by T.
Protein change: p.Arg241Cys; replaces arginine 241 with cysteine.
Molecular consequence: missense variant.
Genome position (GRCh38, 1-based): chrX:150,645,725, C>T. VCF-style: chrX-150645725-C-T. GRCh37 (hg19) VCF-style: chrX-149814198-C-T.
Other names: c.721C>T, p.Arg241Cys (NM_001376906.1, NM_001376908.1); c.610C>T, p.Arg204Cys (NM_001376907.1); short protein forms R241C, R204C.
Identifiers: ClinVar variation 11059 (VCV000011059.29), dbSNP rs132630305, ClinGen allele CA255670.

ClinVar aggregate classification (germline): Pathogenic. Review status: criteria provided, multiple submitters, no conflicts (2 of 4 stars). 9 submissions from 9 submitters: Pathogenic (8). 1 of the submissions does not count toward it. Last evaluated 2024-12-31.

Conditions:
Severe X-linked myotubular myopathy (CNMX). Also called: Myotubular myopathy, X-linked; MYOTUBULAR MYOPATHY 1; X-linked centronuclear myopathy. Identifiers: Orphanet 596, MedGen C0410203, MONDO:0010683, OMIM 310400.

Allele frequency attached by ClinVar (database versions not stated): TOPMed below 0.00001.

Submissions (9):

3billion
Classification: Pathogenic for Severe X-linked myotubular myopathy. Last evaluated: 2024-12-31. Review status: criteria provided, single submitter. Criteria: ACMG Guidelines, 2015. Collection method: clinical testing. Allele origin: germline. Affected: yes.
Comment: The variant is not observed in the gnomAD v4.1.0 dataset. Predicted Consequence/Location: Missense variant In silico tool predictions suggest damaging effect of the variant on gene or gene product [REVEL: 0.98 (>=0.6, sensitivity 0.68 and specificity 0.92); 3Cnet: 0.96 (>=0.6, sensitivity 0.72 and precision 0.9)]. The same nucleotide change resulting in the same amino acid change has been previously reported as pathogenic/likely pathogenic with strong evidence (ClinVar ID: VCV000011059 /PMID: 9305655 /3billion dataset). The variant has been observed in multiple (>3) similarly affected unrelated individuals (PMID: 10790201). A different missense change at the same codon (p.Arg241Leu) has been reported to be associated with MTM1-related disorder (PMID: 9285787). Therefore, this variant is classified as Pathogenic according to the recommendation of ACMG/AMP guideline.

Baylor Genetics
Classification: Pathogenic for Severe X-linked myotubular myopathy. Last evaluated: 2023-11-16. Review status: criteria provided, single submitter. Criteria: ACMG Guidelines, 2015. Collection method: clinical testing. Allele origin: unknown.

Women's Health and Genetics/Laboratory Corporation of America, LabCorp
Classification: Pathogenic for Severe X-linked myotubular myopathy. Last evaluated: 2022-07-27. Review status: criteria provided, single submitter. Criteria: LabCorp Variant Classification Summary - May 2015. Collection method: clinical testing. Allele origin: germline.
Comment: Variant summary: MTM1 c.721C>T (p.Arg241Cys) results in a non-conservative amino acid change located in the Myotubularin-like, phosphatase domain (IPR010569) of the encoded protein sequence. Five of five in-silico tools predict a damaging effect of the variant on protein function. The variant was absent in 182919 control chromosomes. c.721C>T has been reported in the literature in multiple individuals affected with Severe/Mild X-Linked Myotubular Myopathy (example, Laporte_2001, Laporte_2000, Bachman_2017). These data indicate that the variant is very likely to be associated with disease. Several publications report experimental evidence evaluating an impact on protein function, reporting disruped interaction between myotubularin and MTMR12 proteins (example, Gupta_2013). Four clinical diagnostic laboratories have submitted clinical-significance assessments for this variant to ClinVar after 2014 without evidence for independent evaluation. All laboratories classified the variant as pathogenic. Based on the evidence outlined above, the variant was classified as pathogenic.

Labcorp Genetics (formerly Invitae), Labcorp
Classification: Pathogenic for Severe X-linked myotubular myopathy. Last evaluated: 2022-02-03. Review status: criteria provided, single submitter. Criteria: Invitae Variant Classification Sherloc (09022015). Collection method: clinical testing. Allele origin: germline.
Comment: For these reasons, this variant has been classified as Pathogenic. Experimental studies have shown that this missense change affects MTM1 function (PMID: 17973976, 21135508). Algorithms developed to predict the effect of missense changes on protein structure and function are either unavailable or do not agree on the potential impact of this missense change (SIFT: "Deleterious"; PolyPhen-2: "Probably Damaging"; Align-GVGD: "Class C0"). ClinVar contains an entry for this variant (Variation ID: 11059). This missense change has been observed in individuals with X-linked myotubular myopathy (PMID: 9305655, 10215413, 10502779, 10790201, 11793470, 12522554, 18817572). It has also been observed to segregate with disease in related individuals. This variant is not present in population databases (gnomAD no frequency). This sequence change replaces arginine, which is basic and polar, with cysteine, which is neutral and slightly polar, at codon 241 of the MTM1 protein (p.Arg241Cys).

Institute of Human Genetics Munich, TUM University Hospital
Classification: Pathogenic for Severe X-linked myotubular myopathy. Last evaluated: 2019-11-11. Review status: criteria provided, single submitter. Criteria: Classification criteria August 2017. Collection method: clinical testing. Allele origin: germline. Inheritance: X-linked inheritance. Affected: yes. Observed: 1 hemizygote.

Eurofins Ntd Llc (ga)
Classification: Pathogenic. Last evaluated: 2015-07-29. Review status: criteria provided, single submitter. Criteria: EGL Classification Definitions 2015. Collection method: clinical testing. Allele origin: germline. Observed: 1 variant allele, 1 hemizygote.

Genetic Services Laboratory, University of Chicago
Classification: Pathogenic for Myotubular myopathy, X-linked. Last evaluated: 2013-02-08. Review status: criteria provided, single submitter. Criteria: ACMG Guidelines, 2007. Collection method: clinical testing. Allele origin: germline. Inheritance: X-linked inheritance. Affected: yes.

Juno Genomics, Hangzhou Juno Genomics, Inc
Classification: Pathogenic for Severe X-linked myotubular myopathy. Review status: criteria provided, single submitter. Criteria: ACMG Guidelines, 2015. Collection method: clinical testing. Allele origin: germline. Affected: yes.
Comment: Absent from controls (or at extremely low frequency if recessive) in Genome Aggregation Database, Exome Sequencing Project, 1000 Genomes Project, or Exome Aggregation Consortium.;The prevalence of the variant in affected individuals is significantly increased compared to the prevalence in controls.;Co-segregation with disease in multiple affected family members in a gene definitively known to cause the disease.;Patient's phenotype or family history is highly specific for a disease with a single genetic etiology.;Well-established in vitro or in vivo functional studies supportive of a damaging effect on the gene or gene product.

OMIM
Classification: Pathogenic for MYOTUBULAR MYOPATHY, X-LINKED. Last evaluated: 2000-01-01. Review status: no assertion criteria provided. Collection method: literature only. Allele origin: germline. Not counted in ClinVar's aggregate classification.

Literature cited by the submitters: PubMed 9305655 (cited by 3billion and Labcorp Genetics (formerly Invitae), Labcorp); PubMed 10790201 (cited by 4 submitters); PubMed 9285787 (cited by 3billion); PubMed 28007904 (cited by Women's Health and Genetics/Laboratory Corporation of America, LabCorp); PubMed 17973976 (cited by Women's Health and Genetics/Laboratory Corporation of America, LabCorp and Labcorp Genetics (formerly Invitae), Labcorp); PubMed 23818870 (cited by Women's Health and Genetics/Laboratory Corporation of America, LabCorp); PubMed 11456308 (cited by Women's Health and Genetics/Laboratory Corporation of America, LabCorp); PubMed 34011573 (cited by Women's Health and Genetics/Laboratory Corporation of America, LabCorp); PubMed 21135508 (cited by Labcorp Genetics (formerly Invitae), Labcorp); PubMed 10215413 (cited by Labcorp Genetics (formerly Invitae), Labcorp); PubMed 10502779 (cited by Labcorp Genetics (formerly Invitae), Labcorp); PubMed 11793470 (cited by Labcorp Genetics (formerly Invitae), Labcorp); PubMed 12522554 (cited by Labcorp Genetics (formerly Invitae), Labcorp); PubMed 18817572 (cited by Labcorp Genetics (formerly Invitae), Labcorp).